The following is an entry in ClinVar:

ClinVar aggregate classification (germline): Conflicting classifications of pathogenicity. Review status: criteria provided, conflicting classifications (1 of 4 stars). 3 submissions from 3 submitters: Uncertain significance (1); Likely benign (2). Last evaluated 2025-12-06.

Conditions:
Autosomal dominant nonsyndromic hearing loss 11. Identifiers: Orphanet 90635, MedGen C1832475, MONDO:0011032, OMIM 601317.

Allele frequency attached by ClinVar (database versions not stated): TOPMed 0.00003; gnomAD 0.00005; ExAC 0.00006; gnomAD exomes 0.00006 and 0.00007; 1000 Genomes Project 0.00020.
gnomAD v4.1: 92 of 1,542,322 alleles (0.006%); highest among the groups gnomAD compares: Middle Eastern, 0.086%; 1 homozygote.

Submissions (3):

Labcorp Genetics (formerly Invitae), Labcorp
Classification: Likely benign. Last evaluated: 2025-12-06. Review status: criteria provided, single submitter. Criteria: Invitae Variant Classification Sherloc (09022015). Collection method: clinical testing. Allele origin: germline.

Blueprint Genetics
Classification: Likely benign. Last evaluated: 2024-11-07. Review status: criteria provided, single submitter. Criteria: ACMG Guidelines, 2015. Collection method: clinical testing. Allele origin: germline.

Centre for Mendelian Genomics, University Medical Centre Ljubljana
Classification: Uncertain significance for Autosomal dominant nonsyndromic hearing loss 11. Last evaluated: 2019-01-22. Review status: criteria provided, single submitter. Criteria: ACMG Guidelines, 2015. Collection method: clinical testing. Allele origin: unknown. Affected: yes.
Comment: This variant was classified as: Uncertain significance. The available evidence on this variant's pathogenicity is insufficient or conflicting. The following ACMG criteria were applied in classifying this variant: PM2,BP4.

NM_000260.4(MYO7A):c.3750+20C>T

Gene: MYO7A (myosin VIIA; plus strand). Cytogenetic location: 11q13.5.
Variant type: single nucleotide variant.
Coding change: c.3750+20C>T on transcript NM_000260.4 (MANE Select); 20 bases into the intron after coding-DNA position 3750, C replaced by T.
Molecular consequence: intron variant.
Genome position (GRCh38, 1-based): chr11:77,190,159, C>T. VCF-style: chr11-77190159-C-T. GRCh37 (hg19) VCF-style: chr11-76901204-C-T.
Other names: c.3717+20C>T (NM_001369365.1); c.3750+20C>T (NM_001127180.2).
Identifiers: ClinVar variation 931425 (VCV000931425.11), dbSNP rs577104822, ClinGen allele CA6198182.